The following is an entry in ClinVar:

NM_139276.3(STAT3):c.1022C>T (p.Thr341Ile)

Gene: STAT3 (signal transducer and activator of transcription 3; minus strand). Cytogenetic location: 17q21.2.
Variant type: single nucleotide variant.
Coding change: c.1022C>T on transcript NM_139276.3 (MANE Select); coding-DNA position 1022, C replaced by T.
Protein change: p.Thr341Ile; replaces threonine 341 with isoleucine.
Molecular consequence: missense variant.
Genome position (GRCh38, 1-based): chr17:42,333,700, G>A on the plus strand (C>T on the coding strand, the complement: STAT3 is on the minus strand). VCF-style: chr17-42333700-G-A. GRCh37 (hg19) VCF-style: chr17-40485718-G-A.
Other names: c.1022C>T, p.Thr341Ile (NM_001369512.1, NM_001369513.1, NM_001369514.1 and 15 more transcripts); c.944C>T, p.Thr315Ile (NM_001384985.1); c.926C>T, p.Thr309Ile (NM_001384989.1); short protein forms T341I, T309I, T315I.
Identifiers: ClinVar variation 429432 (VCV000429432.2), dbSNP rs1131691377, ClinGen allele CA399590593.
Genomic context (GRCh38, chr17:42,333,700, plus strand): 5'-ATCTCTACTGGAAATGGAAGTGGCATGGCCTACCTGACTTTAGTAGTGAACTGGACGCCG[G>A]TCTTGATGACGAGGGGCCGGTCAGGATGCATGGGCATGCAGGGCTGCCGCTCCACCACAA-3'
Protein context (NP_644805.1, residues 331-351): MHPDRPLVIK[Thr341Ile]GVQFTTKVRL

ClinVar aggregate classification (germline): Likely pathogenic (1 of 4 stars; one submission).

Submission:

GeneDx
Classification: Likely pathogenic. Last evaluated: 2015-09-17. Review status: criteria provided, single submitter. Criteria: GeneDx Variant Classification (06012015). Collection method: clinical testing. Allele origin: germline. Affected: yes.
Comment: The T341I variant has not been published as a pathogenic variant, nor has it been reported as a benign polymorphism to our knowledge. The T341I variant was not observed in approximately 6,500 individuals of European and African American ancestry in the NHLBI Exome Sequencing Project, indicating it is not a common benign variant in these populations. The T341I variant is a non-conservative amino acid substitution, which is likely to impact secondary protein structure as these residues differ in polarity, charge, size and/or other properties. This substitution occurs at a position that is conserved across species. In silico analysis predicts this variant is probably damaging to the protein structure/function. Missense variants in nearby residues (R335W, K340E/Q, G342D, V343F/L) and the same residue (T341N) have been reported in the Human Gene Mutation Database in association with Hyper-IgE syndrome (Stenson et al., 2014), supporting the functional importance of this region of the protein. Therefore, this variant is a strong candidate for a pathogenic variant, however the possibility that it is a benign variant cannot be excluded.